The following is an entry in ClinVar:

ClinVar aggregate classification (germline): Uncertain significance (1 of 4 stars; one submission).

Conditions:
Hereditary cancer-predisposing syndrome. Also called: Neoplastic Syndromes, Hereditary; Hereditary neoplastic syndrome; Tumor predisposition; Hereditary Cancer Syndrome. Identifiers: Orphanet 140162, MedGen C0027672, MeSH D009386, MONDO:0015356.

Submission:

Ambry Genetics
Classification: Uncertain significance for Hereditary cancer-predisposing syndrome. Last evaluated: 2022-12-31. Review status: criteria provided, single submitter. Criteria: Ambry Variant Classification Scheme 2023. Collection method: clinical testing. Allele origin: germline.
Comment: The p.D501G variant (also known as c.1502A>G), located in coding exon 10 of the FLCN gene, results from an A to G substitution at nucleotide position 1502. The aspartic acid at codon 501 is replaced by glycine, an amino acid with similar properties. This amino acid position is conserved. In addition, the in silico prediction for this alteration is inconclusive. Since supporting evidence is limited at this time, the clinical significance of this alteration remains unclear.

NM_144997.7(FLCN):c.1502A>G (p.Asp501Gly)

Gene: FLCN (folliculin; minus strand). Cytogenetic location: 17p11.2.
Variant type: single nucleotide variant.
Coding change: c.1502A>G on transcript NM_144997.7 (MANE Select); coding-DNA position 1502, A replaced by G.
Protein change: p.Asp501Gly; replaces aspartic acid 501 with glycine.
Molecular consequence: missense variant.
Genome position (GRCh38, 1-based): chr17:17,215,021, T>C on the plus strand (A>G on the coding strand, the complement: FLCN is on the minus strand). VCF-style: chr17-17215021-T-C. GRCh37 (hg19) VCF-style: chr17-17118335-T-C.
Other names: c.1556A>G, p.Asp519Gly (NM_001353229.2); c.1502A>G, p.Asp501Gly (NM_001353230.2, NM_001353231.2); short protein forms D501G, D519G.
Identifiers: ClinVar variation 2473710 (VCV002473710.2), dbSNP rs2544141173, ClinGen allele CA398530809.